The following is an entry in ClinVar:

ClinVar aggregate classification (germline): Likely benign. Review status: criteria provided, multiple submitters, no conflicts (2 of 4 stars). 2 submissions from 2 submitters: Likely benign (2). Last evaluated 2024-11-18.

Conditions:
Inborn genetic diseases. Identifiers: MedGen C0950123, MeSH D030342.

Allele frequency attached by ClinVar (database versions not stated): ESP Exome Variant Server 0.00008; ExAC 0.00022; 1000 Genomes Project 30x 0.00047; 1000 Genomes Project 0.00060.
gnomAD v4.1: 188 of 1,613,682 alleles (0.012%); highest among the groups gnomAD compares: Middle Eastern, 0.12%; no homozygotes.

Submissions (2):

Ambry Genetics
Classification: Likely benign for Inborn genetic diseases. Last evaluated: 2024-11-18. Review status: criteria provided, single submitter. Criteria: Ambry Variant Classification Scheme 2023. Collection method: clinical testing. Allele origin: germline.

CeGaT Center for Human Genetics Tuebingen
Classification: Likely benign. Last evaluated: 2024-04-01. Review status: criteria provided, single submitter. Criteria: CeGaT Center For Human Genetics Tuebingen Variant Classification Criteria Version 2. Collection method: clinical testing. Allele origin: germline. Affected: yes. Observed: 2 variant alleles.
Comment: SH2B3: BP4, BP7

NM_005475.3(SH2B3):c.1401A>G (p.Gln467=)

Gene: SH2B3 (SH2B adaptor protein 3; plus strand). Cytogenetic location: 12q24.12.
Variant type: single nucleotide variant.
Coding change: c.1401A>G on transcript NM_005475.3 (MANE Select); coding-DNA position 1401, A replaced by G.
Protein change: p.Gln467=; no amino-acid change (glutamine 467 retained).
Molecular consequence: synonymous variant.
Genome position (GRCh38, 1-based): chr12:111,447,820, A>G. VCF-style: chr12-111447820-A-G. GRCh37 (hg19) VCF-style: chr12-111885624-A-G.
Other names: c.795A>G, p.Gln265= (NM_001291424.1).
Identifiers: ClinVar variation 3024919 (VCV003024919.23), dbSNP rs146584688, ClinGen allele CA6789973.
Genomic context (GRCh38, chr12:111,447,820, plus strand): 5'-ACTCGAGTGCGGCGCCGCCTGTGATGTCCGGCTCTCCAGCTACGTGGTAGTCGTCTCCCA[A>G]CCACCAGGTCTGACCCTACTGCCCTTTGCTGAAGGGGGTGGCTGACACTGGGTAGAGGGT-3'
Protein context (NP_005466.1, residues 457-477): RLSSYVVVVS[Gln467=]PPGSCNTVLF